The following is an entry in ClinVar:

NM_000138.5(FBN1):c.6932dup (p.Gly2312fs)

Gene: FBN1 (fibrillin 1; minus strand). Cytogenetic location: 15q21.1.
Variant type: Duplication.
Coding change: c.6932dup on transcript NM_000138.5 (MANE Select); coding-DNA position 6932, one base duplicated (G; older notation c.6932dupG).
Protein change: p.Gly2312fs; shifts the reading frame from glycine 2312.
Molecular consequence: frameshift variant.
Genome position (GRCh38, 1-based): chr15:48,428,411, C duplicated on the plus strand (G on the coding strand, the reverse complement: FBN1 is on the minus strand). VCF-style (leftmost placement, unchanged base first): chr15-48428410-A-AC. GRCh37 (hg19) VCF-style: chr15-48720607-A-AC.
Other names: short protein forms G2312fs.
Identifiers: ClinVar variation 549377 (VCV000549377.18), dbSNP rs1555394631, ClinGen allele CA658824922.

ClinVar aggregate classification (germline): Pathogenic. Review status: criteria provided, single submitter (1 of 4 stars). 2 submissions from 2 submitters: Pathogenic (1). 1 of the submissions does not count toward it. Last evaluated 2021-03-01.

Conditions:
Marfan syndrome (MFS). Also called: Marfan syndrome type 1; Marfan syndrome, classic; Marfan's syndrome; FBN1-Related Marfan Syndrome; MARFAN SYNDROME, TYPE I. Identifiers: Orphanet 284963, Orphanet 558, MedGen C0024796, MONDO:0007947, OMIM 154700.

Submissions (2):

Centre of Medical Genetics, University of Antwerp
Classification: Pathogenic for Marfan syndrome. Last evaluated: 2021-03-01. Review status: criteria provided, single submitter. Criteria: Submitter's publication. Collection method: research. Allele origin: unknown. Affected: yes.
Comment: PM2, PVS1, PP4

Center for Medical Genetics Ghent, University of Ghent
Classification: Likely pathogenic for Marfan syndrome. Last evaluated: 2017-11-07. Review status: no assertion criteria provided. Collection method: clinical testing. Allele origin: germline. Affected: yes. Not counted in ClinVar's aggregate classification.